The following is an entry in ClinVar:

ClinVar aggregate classification (germline): Pathogenic (1 of 4 stars; one submission).

Conditions:
Wilson disease (WND). Also called: Wilson's disease. Identifiers: Orphanet 905, MedGen C0019202, MONDO:0010200, OMIM 277900. Disease mechanism: loss of function.

Submission:

Labcorp Genetics (formerly Invitae), Labcorp
Classification: Pathogenic for Wilson disease. Last evaluated: 2023-05-26. Review status: criteria provided, single submitter. Criteria: Invitae Variant Classification Sherloc (09022015). Collection method: clinical testing. Allele origin: germline.
Comment: For these reasons, this variant has been classified as Pathogenic. This variant has not been reported in the literature in individuals affected with ATP7B-related conditions. This variant is not present in population databases (gnomAD no frequency). This sequence change creates a premature translational stop signal (p.Val806Serfs*5) in the ATP7B gene. It is expected to result in an absent or disrupted protein product. Loss-of-function variants in ATP7B are known to be pathogenic (PMID: 10441329, 16283883).

Literature cited by the submitters: PubMed 10441329; PubMed 16283883.

NM_000053.4(ATP7B):c.2415_2416insA (p.Val806fs)

Gene: ATP7B (ATPase copper transporting beta; minus strand). Cytogenetic location: 13q14.3.
Variant type: Insertion.
Coding change: c.2415_2416insA on transcript NM_000053.4 (MANE Select); coding-DNA positions 2415 to 2416, A inserted.
Protein change: p.Val806fs; shifts the reading frame from valine 806.
Molecular consequence: frameshift variant. On other transcripts: intron variant (1).
Genome position: GRCh38 VCF-style: chr13-51957547-C-CT. GRCh37 (hg19) VCF-style: chr13-52531683-C-CT.
Other names: c.1929_1930insA, p.Val644fs (NM_001005918.3, NM_001406546.1, NM_001406541.1 and 1 more transcripts); c.2082_2083insA, p.Val695fs (NM_001243182.2); c.2181_2182insA, p.Val728fs (NM_001330578.2, NM_001406527.1, NM_001406528.1 and 2 more transcripts); c.2163_2164insA, p.Val722fs (NM_001330579.2, NM_001406531.1, NM_001406532.1 and 1 more transcripts); c.2415_2416insA, p.Val806fs (NM_001406511.1, NM_001406512.1, NM_001406513.1 and 7 more transcripts); c.2382_2383insA, p.Val795fs (NM_001406514.1); c.2175_2176insA, p.Val726fs (NM_001406530.1); c.1767_1768insA, p.Val590fs (NM_001406545.1, NM_001406547.1); and 8 more; short protein forms V663fs, V722fs, V758fs, V806fs, V644fs, V696fs, V728fs, V774fs.
Identifiers: ClinVar variation 2731083 (VCV002731083.3), dbSNP rs2547709703, ClinGen allele CA2697551882.